The following is an entry in ClinVar:

NM_007294.4(BRCA1):c.1078T>C (p.Cys360Arg)

Gene: BRCA1 (BRCA1 DNA repair associated; minus strand). Cytogenetic location: 17q21.31.
Variant type: single nucleotide variant.
Coding change: c.1078T>C on transcript NM_007294.4 (MANE Select); coding-DNA position 1078, T replaced by C.
Protein change: p.Cys360Arg; replaces cysteine 360 with arginine.
Molecular consequence: missense variant. On other transcripts: intron variant (137).
Genome position (GRCh38, 1-based): chr17:43,094,453, A>G on the plus strand (T>C on the coding strand, the complement: BRCA1 is on the minus strand). VCF-style: chr17-43094453-A-G. GRCh37 (hg19) VCF-style: chr17-41246470-A-G.
Other names: c.937T>C, p.Cys313Arg (NM_007297.4, NM_001407692.1, NM_001407694.1 and 29 more transcripts); c.1078T>C, p.Cys360Arg (NM_007300.4, NM_001407581.1, NM_001407582.1 and 30 more transcripts); c.646+291T>C (NM_001408458.1, NM_001408469.1, NM_001408453.1 and 11 more transcripts); c.283+291T>C (NM_001408512.1); c.406+291T>C (NM_001408510.1); c.643+291T>C (NM_001408470.1, NM_001408464.1, NM_001408468.1 and 3 more transcripts); c.784+291T>C (NM_001408397.1, NM_001408401.1, NM_001408396.1 and 13 more transcripts); c.664+291T>C (NM_001408436.1, NM_001408444.1, NM_001408438.1 and 12 more transcripts); and 40 more; short protein forms C360R, C313R, C232R, C290R, C64R, C233R, C249R, C271R.
Identifiers: ClinVar variation 142880 (VCV000142880.14), dbSNP rs587782790, ClinGen allele CA000720.

ClinVar aggregate classification (germline): Conflicting classifications of pathogenicity. Review status: criteria provided, conflicting classifications (1 of 4 stars). 3 submissions from 3 submitters: Uncertain significance (2); Likely benign (1). Last evaluated 2025-05-18.

Conditions:
Hereditary cancer-predisposing syndrome. Also called: Hereditary Cancer Syndrome; Neoplastic Syndromes, Hereditary; Hereditary neoplastic syndrome; Tumor predisposition. Identifiers: Orphanet 140162, MedGen C0027672, MeSH D009386, MONDO:0015356.
Hereditary breast ovarian cancer syndrome. Also called: BRCA1- and BRCA2-Associated Hereditary Breast and Ovarian Cancer; Hereditary breast and ovarian cancer syndrome; Hereditary breast and/or ovarian cancer syndrome; Breast and ovarian cancer; Hereditary breast and ovarian cancer; Hereditary breast and ovarian cancer syndrome (HBOC). Identifiers: Orphanet 145, MedGen C0677776, MeSH D061325, MONDO:0003582. Disease mechanism: loss of function.

Submissions (3):

Labcorp Genetics (formerly Invitae), Labcorp
Classification: Uncertain significance for Hereditary breast ovarian cancer syndrome. Last evaluated: 2025-05-18. Review status: criteria provided, single submitter. Criteria: Invitae Variant Classification Sherloc (09022015). Collection method: clinical testing. Allele origin: germline.
Comment: This sequence change replaces cysteine, which is neutral and slightly polar, with arginine, which is basic and polar, at codon 360 of the BRCA1 protein (p.Cys360Arg). This variant is not present in population databases (gnomAD no frequency). This missense change has been observed in individual(s) with breast cancer (PMID: 32986223). ClinVar contains an entry for this variant (Variation ID: 142880). Invitae Evidence Modeling of protein sequence and biophysical properties (such as structural, functional, and spatial information, amino acid conservation, physicochemical variation, residue mobility, and thermodynamic stability) indicates that this missense variant is not expected to disrupt BRCA1 protein function with a negative predictive value of 80%. In summary, the available evidence is currently insufficient to determine the role of this variant in disease. Therefore, it has been classified as a Variant of Uncertain Significance.

Ambry Genetics
Classification: Uncertain significance for Hereditary cancer-predisposing syndrome. Last evaluated: 2025-04-23. Review status: criteria provided, single submitter. Criteria: Ambry Variant Classification Scheme 2023. Collection method: clinical testing. Allele origin: germline.
Comment: The p.C360R variant (also known as c.1078T>C), located in coding exon 9 of the BRCA1 gene, results from a T to C substitution at nucleotide position 1078. The cysteine at codon 360 is replaced by arginine, an amino acid with highly dissimilar properties. This variant was predicted to be neutral using a cDNA-based functional assay designed to classify BRCA1 variants based on their ability to functionally complement BRCA1-deficient mouse embryonic stem cells (Bouwman P et al. Cancer Discov, 2013 Oct;3:1142-55). This amino acid position is not well conserved in available vertebrate species. In addition, the in silico prediction for this alteration is inconclusive. Since supporting evidence is limited at this time, the clinical significance of this alteration remains unclear.

University of Washington Department of Laboratory Medicine, University of Washington
Classification: Likely benign for Hereditary cancer-predisposing syndrome. Last evaluated: 2023-03-23. Review status: criteria provided, single submitter. Criteria: Dines et al. (Genet Med. 2020). Collection method: curation. Allele origin: germline.
Comment: Missense variant in a coldspot region where missense variants are very unlikely to be pathogenic (PMID:31911673).

BRCA1 coldspot (exon 11 using historical exon numbering). Reclassification based on statistical prior probability

Literature cited by the submitters: PubMed 32986223 (cited by Labcorp Genetics (formerly Invitae), Labcorp); PubMed 23867111 (cited by Ambry Genetics).